The following is an entry in ClinVar:

NM_170784.3(MKKS):c.1279A>G (p.Asn427Asp)

Gene: MKKS (MKKS centrosomal shuttling protein; minus strand). Cytogenetic location: 20p12.2.
Variant type: single nucleotide variant.
Coding change: c.1279A>G on transcript NM_170784.3 (MANE Select); coding-DNA position 1279, A replaced by G.
Protein change: p.Asn427Asp; replaces asparagine 427 with aspartic acid.
Molecular consequence: missense variant. On other transcripts: non-coding transcript variant (1).
Genome position (GRCh38, 1-based): chr20:10,405,681, T>C on the plus strand (A>G on the coding strand, the complement: MKKS is on the minus strand). VCF-style: chr20-10405681-T-C. GRCh37 (hg19) VCF-style: chr20-10386329-T-C.
Other names: c.1279A>G, p.Asn427Asp (NM_018848.3); short protein forms N427D.
Identifiers: ClinVar variation 2238937 (VCV002238937.5), dbSNP rs1026455293, ClinGen allele CA311318963.

ClinVar aggregate classification (germline): Uncertain significance. Review status: criteria provided, multiple submitters, no conflicts (2 of 4 stars). 3 submissions from 3 submitters: Uncertain significance (3). Last evaluated 2025-01-28.

Conditions:
MKKS-related disorder. Also called: MKKS-related disorders; MKKS-related condition.
Inborn genetic diseases. Identifiers: MedGen C0950123, MeSH D030342.
McKusick-Kaufman syndrome (MKKS). Also called: HYDROMETROCOLPOS SYNDROME; HYDROMETROCOLPOS, POSTAXIAL POLYDACTYLY, AND CONGENITAL HEART MALFORMATION. Identifiers: Orphanet 2473, MedGen C0948368, MONDO:0009367, OMIM 236700.
Bardet-Biedl syndrome 6 (BBS6). Identifiers: Orphanet 110, MedGen C1858054, MONDO:0011523, OMIM 605231.

Allele frequency attached by ClinVar (database versions not stated): TOPMed 0.00001; gnomAD exomes 0.00002.
gnomAD v4.1: 14 of 1,613,318 alleles (0.00087%); highest among the groups gnomAD compares: Non-Finnish European, 0.0011%; no homozygotes.

Submissions (3):

PreventionGenetics, part of Exact Sciences
Classification: Uncertain significance for MKKS-related condition. Last evaluated: 2025-01-28. Review status: criteria provided, single submitter. Criteria: ACMG Guidelines, 2015. Collection method: clinical testing. Allele origin: germline.
Comment: The MKKS c.1279A>G variant is predicted to result in the amino acid substitution p.Asn427Asp. To our knowledge, this variant has not been reported in the literature. This variant is reported in 0.0018% of alleles in individuals of European (Non-Finnish) descent in gnomAD. At this time, the clinical significance of this variant is uncertain due to the absence of conclusive functional and genetic evidence.

Fulgent Genetics
Classification: Uncertain significance for McKusick-Kaufman syndrome; Bardet-Biedl syndrome 6. Last evaluated: 2024-02-29. Review status: criteria provided, single submitter. Criteria: ACMG Guidelines, 2015. Collection method: clinical testing. Allele origin: germline.

Ambry Genetics
Classification: Uncertain significance for Inborn genetic diseases. Last evaluated: 2021-07-20. Review status: criteria provided, single submitter. Criteria: Ambry Variant Classification Scheme 2023. Collection method: clinical testing. Allele origin: germline.